The following is an entry in ClinVar:

ClinVar aggregate classification (germline): Uncertain significance. Review status: criteria provided, multiple submitters, no conflicts (2 of 4 stars). 2 submissions from 2 submitters: Uncertain significance (2). Last evaluated 2025-12-10.

Conditions:
Ataxia-telangiectasia syndrome (AT). Also called: AT, COMPLEMENTATION GROUP C; Ataxia telangiectasia (A-T); Ataxia-telangiectasia, complementation group D; Ataxia-telangiectasia, complementation group E; LOUIS-BAR SYNDROME; ATAXIA-TELANGIECTASIA, COMPLEMENTATION GROUP A. Identifiers: Orphanet 100, MedGen C0004135, MONDO:0008840, OMIM 208900.
Hereditary cancer-predisposing syndrome. Also called: Hereditary neoplastic syndrome; Neoplastic Syndromes, Hereditary; Hereditary Cancer Syndrome; Tumor predisposition. Identifiers: Orphanet 140162, MedGen C0027672, MeSH D009386, MONDO:0015356.

Allele frequency attached by ClinVar (database versions not stated): gnomAD exomes below 0.00001.
gnomAD v4.1: 2 of 1,613,438 alleles (0.00012%); highest among the groups gnomAD compares: Non-Finnish European, 0.00017%; no homozygotes.

Submissions (2):

Ambry Genetics
Classification: Uncertain significance for Hereditary cancer-predisposing syndrome. Last evaluated: 2025-12-10. Review status: criteria provided, single submitter. Criteria: Ambry Variant Classification Scheme 2023. Collection method: clinical testing. Allele origin: germline.
Comment: The c.5306C>T variant (also known as p.T1769I), located in coding exon 34 of the ATM gene, results from a C to T substitution at nucleotide position 5306. The threonine at codon 1769 is replaced by isoleucine, an amino acid with similar properties. This nucleotide position is well conserved in available vertebrate species. In silico splice site analysis predicts that this alteration may weaken the native splice donor site; however, direct evidence is insufficient at this time (Ambry internal data). Based on the available evidence, the clinical significance of this variant remains unclear.

Labcorp Genetics (formerly Invitae), Labcorp
Classification: Uncertain significance for Ataxia-telangiectasia syndrome. Last evaluated: 2024-11-26. Review status: criteria provided, single submitter. Criteria: Invitae Variant Classification Sherloc (09022015). Collection method: clinical testing. Allele origin: germline.
Comment: This sequence change replaces threonine, which is neutral and polar, with isoleucine, which is neutral and non-polar, at codon 1769 of the ATM protein (p.Thr1769Ile). This variant is not present in population databases (gnomAD no frequency). This variant has not been reported in the literature in individuals affected with ATM-related conditions. ClinVar contains an entry for this variant (Variation ID: 2718083). Invitae Evidence Modeling of protein sequence and biophysical properties (such as structural, functional, and spatial information, amino acid conservation, physicochemical variation, residue mobility, and thermodynamic stability) indicates that this missense variant is not expected to disrupt ATM protein function with a negative predictive value of 95%. Algorithms developed to predict the effect of sequence changes on RNA splicing suggest that this variant may disrupt the consensus splice site. In summary, the available evidence is currently insufficient to determine the role of this variant in disease. Therefore, it has been classified as a Variant of Uncertain Significance.

NM_000051.4(ATM):c.5306C>T (p.Thr1769Ile)

Gene: ATM (ATM serine/threonine kinase; plus strand). Cytogenetic location: 11q22.3.
Variant type: single nucleotide variant.
Coding change: c.5306C>T on transcript NM_000051.4 (MANE Select); coding-DNA position 5306, C replaced by T.
Protein change: p.Thr1769Ile; replaces threonine 1769 with isoleucine.
Molecular consequence: missense variant.
Genome position (GRCh38, 1-based): chr11:108,301,776, C>T. VCF-style: chr11-108301776-C-T. GRCh37 (hg19) VCF-style: chr11-108172503-C-T.
Other names: c.5306C>T, p.Thr1769Ile (NM_001351834.2); short protein forms T1769I.
Identifiers: ClinVar variation 2718083 (VCV002718083.4), dbSNP rs1192250974, ClinGen allele CA382542777.